The following is an entry in ClinVar:

ClinVar aggregate classification (germline): Benign. Review status: criteria provided, multiple submitters, no conflicts (2 of 4 stars). 8 submissions from 8 submitters: Benign (8). Last evaluated 2026-02-04.

Conditions:
Congenital myasthenic syndrome 8. Also called: Myasthenic syndrome, congenital, 8, with pre- and postsynaptic defects; MYASTHENIC SYNDROME, CONGENITAL, DUE TO AGRIN DEFICIENCY. Identifiers: Orphanet 590, MedGen C3808739, MONDO:0014052, OMIM 615120.

Allele frequency attached by ClinVar (database versions not stated): ESP Exome Variant Server 0.85259; TOPMed 0.86209; gnomAD 0.86601 and 0.87183; 1000 Genomes Project 30x 0.88148; 1000 Genomes Project 0.88518; ExAC 0.91656; gnomAD exomes 0.92282 and 0.92328.
gnomAD v4.1: 1,471,141 of 1,602,914 alleles (92%); highest among the groups gnomAD compares: East Asian, 100%; 677,221 homozygotes.

Submissions (8):

Labcorp Genetics (formerly Invitae), Labcorp
Classification: Benign for Congenital myasthenic syndrome 8. Last evaluated: 2026-02-04. Review status: criteria provided, single submitter. Criteria: Invitae Variant Classification Sherloc (09022015). Collection method: clinical testing. Allele origin: germline.

Blueprint Genetics
Classification: Benign. Last evaluated: 2024-11-26. Review status: criteria provided, single submitter. Criteria: ACMG Guidelines, 2015. Collection method: clinical testing. Allele origin: germline.

Genome-Nilou Lab
Classification: Benign for Congenital myasthenic syndrome 8. Last evaluated: 2021-07-14. Review status: criteria provided, single submitter. Criteria: ACMG Guidelines, 2015. Collection method: clinical testing. Allele origin: germline. Affected: no.

Mayo Clinic Laboratories, Mayo Clinic
Classification: Benign. Last evaluated: 2017-10-11. Review status: criteria provided, single submitter. Criteria: ACMG Guidelines, 2015. Collection method: clinical testing. Allele origin: germline. Observed: 431 variant alleles.

GeneDx
Classification: Benign. Last evaluated: 2016-01-19. Review status: criteria provided, single submitter. Criteria: GeneDx Variant Classification (06012015). Collection method: clinical testing. Allele origin: germline. Affected: yes.
Comment: This variant is considered likely benign or benign based on one or more of the following criteria: it is a conservative change, it occurs at a poorly conserved position in the protein, it is predicted to be benign by multiple in silico algorithms, and/or has population frequency not consistent with disease.

Genetic Services Laboratory, University of Chicago
Classification: Benign for AllHighlyPenetrant. Last evaluated: 2013-08-15. Review status: criteria provided, single submitter. Criteria: ACMG Guidelines, 2007. Collection method: clinical testing. Allele origin: germline. Inheritance: Autosomal recessive inheritance.

Breakthrough Genomics
Classification: Benign. Review status: criteria provided, single submitter. Criteria: ACMG Guidelines, 2015. Collection method: not provided. Allele origin: germline. Inheritance: Autosomal recessive inheritance. Affected: yes.

PreventionGenetics, part of Exact Sciences
Classification: Benign. Review status: criteria provided, single submitter. Criteria: ACMG Guidelines, 2015. Collection method: clinical testing. Allele origin: germline.

NM_198576.4(AGRN):c.1178-6T>C

Gene: AGRN (agrin; plus strand). Cytogenetic location: 1p36.33.
Variant type: single nucleotide variant.
Coding change: c.1178-6T>C on transcript NM_198576.4 (MANE Select); 6 bases into the intron before coding-DNA position 1178, T replaced by C.
Molecular consequence: intron variant.
Genome position (GRCh38, 1-based): chr1:1,041,950, T>C. VCF-style: chr1-1041950-T-C. GRCh37 (hg19) VCF-style: chr1-977330-T-C.
Other names: p.?; c.1178-6T>C (LRG_198t1, NM_001305275.2); c.863-6T>C (NM_001364727.2).
Identifiers: ClinVar variation 128292 (VCV000128292.21), dbSNP rs2799066, ClinGen allele CA151613.